The following is an entry in ClinVar:

ClinVar aggregate classification (germline): Uncertain significance (1 of 4 stars; one submission).

Submission:

GeneDx
Classification: Uncertain significance. Last evaluated: 2022-07-11. Review status: criteria provided, single submitter. Criteria: GeneDx Variant Classification Process June 2021. Collection method: clinical testing. Allele origin: germline. Affected: yes.
Comment: Not observed at significant frequency in large population cohorts (gnomAD); Nonsense variant predicted to result in protein truncation or nonsense mediated decay in a gene or region of a gene for which loss of function is not a well-established mechanism of disease; Has not been previously published as pathogenic or benign to our knowledge

NM_144498.4(OSBPL2):c.695G>A (p.Trp232Ter)

Gene: OSBPL2 (oxysterol binding protein like 2; plus strand). Cytogenetic location: 20q13.33.
Variant type: single nucleotide variant.
Coding change: c.695G>A on transcript NM_144498.4 (MANE Select); coding-DNA position 695, G replaced by A.
Protein change: p.Trp232Ter; replaces tryptophan 232 with a stop codon.
Molecular consequence: nonsense.
Genome position (GRCh38, 1-based): chr20:62,281,078, G>A. VCF-style: chr20-62281078-G-A. GRCh37 (hg19) VCF-style: chr20-60856134-G-A.
Other names: c.419G>A, p.Trp140Ter (NM_001278649.3, NM_001363878.2); c.659G>A, p.Trp220Ter (NM_014835.5); short protein forms W140*, W220*, W232*.
Identifiers: ClinVar variation 1878947 (VCV001878947.1), dbSNP rs2516542463, ClinGen allele CA409544021.